The following is an entry in ClinVar:

NM_000392.5(ABCC2):c.779G>A (p.Arg260Gln)

Gene: ABCC2 (ATP binding cassette subfamily C member 2; plus strand). Cytogenetic location: 10q24.2.
Variant type: single nucleotide variant.
Coding change: c.779G>A on transcript NM_000392.5 (MANE Select); coding-DNA position 779, G replaced by A.
Protein change: p.Arg260Gln; replaces arginine 260 with glutamine.
Molecular consequence: missense variant.
Genome position (GRCh38, 1-based): chr10:99,797,243, G>A. VCF-style: chr10-99797243-G-A. GRCh37 (hg19) VCF-style: chr10-101557000-G-A.
Other names: c.779G>A (NM_000392.3); short protein forms R260Q.
Identifiers: ClinVar variation 2634999 (VCV002634999.2), dbSNP rs141855755, ClinGen allele CA5642992.

ClinVar aggregate classification (germline): Uncertain significance. Review status: criteria provided, multiple submitters, no conflicts (2 of 4 stars). 2 submissions from 2 submitters: Uncertain significance (2). Last evaluated 2025-05-14.

Conditions:
ABCC2-related disorder. Also called: ABCC2-related condition.
Inborn genetic diseases. Identifiers: MedGen C0950123, MeSH D030342.

Allele frequency attached by ClinVar (database versions not stated): ESP Exome Variant Server 0.00015; 1000 Genomes Project 0.00020; 1000 Genomes Project 30x 0.00047.
gnomAD v4.1: 68 of 1,614,066 alleles (0.0042%); highest among the groups gnomAD compares: Non-Finnish European, 0.005%; no homozygotes.

Submissions (2):

Ambry Genetics
Classification: Uncertain significance for Inborn genetic diseases. Last evaluated: 2025-05-14. Review status: criteria provided, single submitter. Criteria: Ambry Variant Classification Scheme 2023. Collection method: clinical testing. Allele origin: germline.

PreventionGenetics, part of Exact Sciences
Classification: Uncertain significance for ABCC2-related condition. Last evaluated: 2022-10-18. Review status: criteria provided, single submitter. Criteria: ACMG Guidelines, 2015. Collection method: clinical testing. Allele origin: germline.
Comment: The ABCC2 c.779G>A variant is predicted to result in the amino acid substitution p.Arg260Gln. To our knowledge, this variant has not been reported in the literature. This variant is reported in 0.012% of alleles in individuals of African descent in gnomAD. At this time, the clinical significance of this variant is uncertain due to the absence of conclusive functional and genetic evidence.